The following is an entry in ClinVar:

NM_001378457.1(DMXL2):c.1477C>T (p.Arg493Trp)

Gene: DMXL2 (Dmx like 2; minus strand). Cytogenetic location: 15q21.2.
Variant type: single nucleotide variant.
Coding change: c.1477C>T on transcript NM_001378457.1 (MANE Select); coding-DNA position 1477, C replaced by T.
Protein change: p.Arg493Trp; replaces arginine 493 with tryptophan.
Molecular consequence: missense variant. On other transcripts: non-coding transcript variant (2).
Genome position (GRCh38, 1-based): chr15:51,537,628, G>A on the plus strand (C>T on the coding strand, the complement: DMXL2 is on the minus strand). VCF-style: chr15-51537628-G-A. GRCh37 (hg19) VCF-style: chr15-51829825-G-A.
Other names: c.1477C>T, p.Arg493Trp (NM_001174116.3, NM_001174117.3, NM_001378458.1 and 6 more transcripts); c.1237C>T, p.Arg413Trp (NM_001378464.1); short protein forms R413W, R493W.
Identifiers: ClinVar variation 2170369 (VCV002170369.8), dbSNP rs200113262, ClinGen allele CA7562578.

ClinVar aggregate classification (germline): Conflicting classifications of pathogenicity. Review status: criteria provided, conflicting classifications (1 of 4 stars). 2 submissions from 2 submitters: Uncertain significance (1); Likely benign (1). Last evaluated 2026-02-01.

gnomAD v4.1: 195 of 1,613,616 alleles (0.012%); highest among the groups gnomAD compares: Non-Finnish European, 0.0083%; no homozygotes.

Submissions (2):

CeGaT Center for Human Genetics Tuebingen
Classification: Uncertain significance. Last evaluated: 2026-02-01. Review status: criteria provided, single submitter. Criteria: CeGaT Center For Human Genetics Tuebingen Variant Classification Criteria Version 2. Collection method: clinical testing. Allele origin: germline. Affected: yes. Observed: 1 variant allele.
Comment: DMXL2: PM2, BP4

Labcorp Genetics (formerly Invitae), Labcorp
Classification: Likely benign. Last evaluated: 2025-09-08. Review status: criteria provided, single submitter. Criteria: Invitae Variant Classification Sherloc (09022015). Collection method: clinical testing. Allele origin: germline.